The following is an entry in ClinVar:

ClinVar aggregate classification (germline): Likely benign (0 of 4 stars; one submission).

Conditions:
CDC42BPB-related disorder.

Allele frequency attached by ClinVar (database versions not stated): ExAC 0.00001.
gnomAD v4.1: 5 of 1,613,382 alleles (0.00031%); highest among the groups gnomAD compares: Non-Finnish European, 0.00042%; no homozygotes.

Submission:

PreventionGenetics, part of Exact Sciences
Classification: Likely benign for CDC42BPB-related condition. Last evaluated: 2019-03-20. Review status: no assertion criteria provided. Collection method: clinical testing. Allele origin: germline.
Comment: This variant is classified as likely benign based on ACMG/AMP sequence variant interpretation guidelines (Richards et al. 2015 PMID: 25741868, with internal and published modifications).

NM_006035.4(CDC42BPB):c.1996-3C>T

Gene: CDC42BPB (CDC42 binding protein kinase beta; minus strand). Cytogenetic location: 14q32.32.
Variant type: single nucleotide variant.
Coding change: c.1996-3C>T on transcript NM_006035.4 (MANE Select); 3 bases into the intron before coding-DNA position 1996, C replaced by T.
Molecular consequence: intron variant.
Genome position (GRCh38, 1-based): chr14:102,968,719, G>A on the plus strand (C>T on the coding strand, the complement: CDC42BPB is on the minus strand). VCF-style: chr14-102968719-G-A. GRCh37 (hg19) VCF-style: chr14-103435056-G-A.
Other names: c.1996-3C>T (NM_001411054.1).
Identifiers: ClinVar variation 3046788 (VCV003046788.2), dbSNP rs746613097, ClinGen allele CA7361199.